The following is an entry in ClinVar:

ClinVar aggregate classification (germline): Uncertain significance (1 of 4 stars; one submission).

Submission:

Labcorp Genetics (formerly Invitae), Labcorp
Classification: Uncertain significance. Last evaluated: 2025-10-01. Review status: criteria provided, single submitter. Criteria: Invitae Variant Classification Sherloc (09022015). Collection method: clinical testing. Allele origin: germline.
Comment: This sequence change replaces methionine, which is neutral and non-polar, with isoleucine, which is neutral and non-polar, at codon 1960 of the KMT2A protein (p.Met1960Ile). This variant is not present in population databases (gnomAD no frequency). This variant has not been reported in the literature in individuals affected with KMT2A-related conditions. ClinVar contains an entry for this variant (Variation ID: 3634325). Invitae Evidence Modeling of protein sequence and biophysical properties (such as structural, functional, and spatial information, amino acid conservation, physicochemical variation, residue mobility, and thermodynamic stability) indicates that this missense variant is not expected to disrupt KMT2A protein function with a negative predictive value of 95%. In summary, the available evidence is currently insufficient to determine the role of this variant in disease. Therefore, it has been classified as a Variant of Uncertain Significance.

NM_001197104.2(KMT2A):c.5880G>T (p.Met1960Ile)

Gene: KMT2A (lysine methyltransferase 2A; plus strand). Cytogenetic location: 11q23.3.
Variant type: single nucleotide variant.
Coding change: c.5880G>T on transcript NM_001197104.2 (MANE Select); coding-DNA position 5880, G replaced by T.
Protein change: p.Met1960Ile; replaces methionine 1960 with isoleucine.
Molecular consequence: missense variant.
Genome position (GRCh38, 1-based): chr11:118,498,447, G>T. VCF-style: chr11-118498447-G-T. GRCh37 (hg19) VCF-style: chr11-118369162-G-T.
Other names: c.5970G>T, p.Met1990Ile (NM_001412597.1); c.5871G>T, p.Met1957Ile (NM_005933.4); short protein forms M1990I, M1960I, M1957I.
Identifiers: ClinVar variation 3634325 (VCV003634325.2).